The following is an entry in ClinVar:

NM_005334.3(HCFC1):c.189C>T (p.Asn63=)

Gene: HCFC1 (host cell factor C1; minus strand). Cytogenetic location: Xq28.
Variant type: single nucleotide variant.
Coding change: c.189C>T on transcript NM_005334.3 (MANE Select); coding-DNA position 189, C replaced by T.
Protein change: p.Asn63=; no amino-acid change (asparagine 63 retained).
Molecular consequence: synonymous variant.
Genome position (GRCh38, 1-based): chrX:153,970,652, G>A on the plus strand (C>T on the coding strand, the complement: HCFC1 is on the minus strand). VCF-style: chrX-153970652-G-A. GRCh37 (hg19) VCF-style: chrX-153236103-G-A.
Other names: c.189C>T, p.Asn63= (NM_001410705.1).
Identifiers: ClinVar variation 2661776 (VCV002661776.28), dbSNP rs368273231, ClinGen allele CA10557739.

ClinVar aggregate classification (germline): Likely benign. Review status: criteria provided, multiple submitters, no conflicts (2 of 4 stars). 3 submissions from 3 submitters: Likely benign (3). Last evaluated 2024-11-28.

Conditions:
Methylmalonic acidemia with homocystinuria, type cblX (MAHCX). Also called: INTELLECTUAL DEVELOPMENTAL DISORDER, X-LINKED 3. Identifiers: Orphanet 369962, MedGen C0796208, MONDO:0010657, OMIM 309541.

Allele frequency attached by ClinVar (database versions not stated): ExAC 0.00001; TOPMed 0.00001; gnomAD 0.00002; gnomAD exomes 0.00004; ESP Exome Variant Server 0.00010.
gnomAD v4.1: 54 of 1,202,303 alleles (0.0045%); highest among the groups gnomAD compares: Non-Finnish European, 0.0054%; no homozygotes.

Submissions (3):

Blueprint Genetics
Classification: Likely benign. Last evaluated: 2024-11-28. Review status: criteria provided, single submitter. Criteria: ACMG Guidelines, 2015. Collection method: clinical testing. Allele origin: germline.

Labcorp Genetics (formerly Invitae), Labcorp
Classification: Likely benign for Methylmalonic acidemia with homocystinuria, type cblX. Last evaluated: 2024-02-01. Review status: criteria provided, single submitter. Criteria: Invitae Variant Classification Sherloc (09022015). Collection method: clinical testing. Allele origin: germline.

CeGaT Center for Human Genetics Tuebingen
Classification: Likely benign. Last evaluated: 2023-04-01. Review status: criteria provided, single submitter. Criteria: CeGaT Center For Human Genetics Tuebingen Variant Classification Criteria Version 2. Collection method: clinical testing. Allele origin: germline. Affected: yes. Observed: 1 variant allele.
Comment: HCFC1: BP4, BP7